The following is an entry in ClinVar:

ClinVar aggregate classification (germline): Uncertain significance (1 of 4 stars; one submission).

Conditions:
Lethal congenital glycogen storage disease of heart. Also called: GLYCOGEN STORAGE DISEASE OF HEART; PHOSPHORYLASE KINASE DEFICIENCY OF HEART. Identifiers: Orphanet 439854, MedGen C1849813, MONDO:0009867, OMIM 261740.

Submission:

Labcorp Genetics (formerly Invitae), Labcorp
Classification: Uncertain significance for Lethal congenital glycogen storage disease of heart. Last evaluated: 2019-06-03. Review status: criteria provided, single submitter. Criteria: Invitae Variant Classification Sherloc (09022015). Collection method: clinical testing. Allele origin: germline.
Comment: In summary, the available evidence is currently insufficient to determine the role of this variant in disease. Therefore, it has been classified as a Variant of Uncertain Significance. Algorithms developed to predict the effect of missense changes on protein structure and function (SIFT, PolyPhen-2, Align-GVGD) all suggest that this variant is likely to be tolerated, but these predictions have not been confirmed by published functional studies and their clinical significance is uncertain. This variant has not been reported in the literature in individuals with PRKAG2-related conditions. This variant is not present in population databases (ExAC no frequency). This sequence change replaces threonine with alanine at codon 142 of the PRKAG2 protein (p.Thr142Ala). The threonine residue is moderately conserved and there is a small physicochemical difference between threonine and alanine.

NM_016203.4(PRKAG2):c.424A>G (p.Thr142Ala)

Gene: PRKAG2 (protein kinase AMP-activated non-catalytic subunit gamma 2; minus strand). Cytogenetic location: 7q36.1.
Variant type: single nucleotide variant.
Coding change: c.424A>G on transcript NM_016203.4 (MANE Select); coding-DNA position 424, A replaced by G.
Protein change: p.Thr142Ala; replaces threonine 142 with alanine.
Molecular consequence: missense variant.
Genome position (GRCh38, 1-based): chr7:151,781,194, T>C on the plus strand (A>G on the coding strand, the complement: PRKAG2 is on the minus strand). VCF-style: chr7-151781194-T-C. GRCh37 (hg19) VCF-style: chr7-151478280-T-C.
Other names: c.292A>G, p.Thr98Ala (NM_001040633.2); short protein forms T98A, T142A.
Identifiers: ClinVar variation 861310 (VCV000861310.9), dbSNP rs2076650288, ClinGen allele CA370069314.